The following is an entry in ClinVar:

ClinVar aggregate classification (germline): Benign/Likely benign. Review status: criteria provided, multiple submitters, no conflicts (2 of 4 stars). 5 submissions from 5 submitters: Benign (2); Likely benign (2). 1 of the submissions does not count toward it. Last evaluated 2026-09-01.

Conditions:
GRIP1-related disorder. Also called: GRIP1-related condition.
Fraser syndrome 3. Identifiers: MedGen C4540040, MONDO:0054739, OMIM 617667.

Allele frequency attached by ClinVar (database versions not stated): gnomAD exomes 0.00023 and 0.00054; ExAC 0.00069; ESP Exome Variant Server 0.00159; 1000 Genomes Project 0.00180; 1000 Genomes Project 30x 0.00187; gnomAD 0.00226 and 0.00242; TOPMed 0.00247.
gnomAD v4.1: 695 of 1,613,828 alleles (0.043%); highest among the groups gnomAD compares: African/African-American, 0.79%; 2 homozygotes.

Submissions (5):

CeGaT Center for Human Genetics Tuebingen
Classification: Likely benign. Last evaluated: 2026-09-01. Review status: criteria provided, single submitter. Criteria: CeGaT Center For Human Genetics Tuebingen Variant Classification Criteria Version 2. Collection method: clinical testing. Allele origin: germline. Affected: yes. Observed: 1 variant allele.
Comment: GRIP1: BP4, BP7

Labcorp Genetics (formerly Invitae), Labcorp
Classification: Benign. Last evaluated: 2026-01-28. Review status: criteria provided, single submitter. Criteria: Invitae Variant Classification Sherloc (09022015). Collection method: clinical testing. Allele origin: germline.

Fulgent Genetics
Classification: Likely benign for Fraser syndrome 3. Last evaluated: 2021-07-29. Review status: criteria provided, single submitter. Criteria: ACMG Guidelines, 2015. Collection method: clinical testing. Allele origin: unknown.

Breakthrough Genomics
Classification: Benign. Review status: criteria provided, single submitter. Criteria: ACMG Guidelines, 2015. Collection method: not provided. Allele origin: germline. Inheritance: Autosomal recessive inheritance. Affected: yes.

PreventionGenetics, part of Exact Sciences
Classification: Benign for GRIP1-related condition. Last evaluated: 2019-07-23. Review status: no assertion criteria provided. Collection method: clinical testing. Allele origin: germline. Not counted in ClinVar's aggregate classification.
Comment: This variant is classified as benign based on ACMG/AMP sequence variant interpretation guidelines (Richards et al. 2015 PMID: 25741868, with internal and published modifications).

NM_001366722.1(GRIP1):c.2880G>A (p.Ser960=)

Gene: GRIP1 (glutamate receptor interacting protein 1; minus strand). Cytogenetic location: 12q14.3.
Variant type: single nucleotide variant.
Coding change: c.2880G>A on transcript NM_001366722.1 (MANE Select); coding-DNA position 2880, G replaced by A.
Protein change: p.Ser960=; no amino-acid change (serine 960 retained).
Molecular consequence: synonymous variant.
Genome position (GRCh38, 1-based): chr12:66,371,826, C>T on the plus strand (G>A on the coding strand, the complement: GRIP1 is on the minus strand). VCF-style: chr12-66371826-C-T. GRCh37 (hg19) VCF-style: chr12-66765606-C-T.
Other names: c.2679G>A, p.Ser893= (NM_001178074.2); c.2799G>A, p.Ser933= (NM_001366723.1); c.2802G>A, p.Ser934= (NM_001366724.1); c.2724G>A, p.Ser908= (NM_021150.4).
Identifiers: ClinVar variation 710021 (VCV000710021.13), dbSNP rs181527317, ClinGen allele CA6673996.